The following is an entry in ClinVar:

NC_000004.11:g.(?_25160565)_(25162001_?)del

Gene: SEPSECS (Sep (O-phosphoserine) tRNA:Sec (selenocysteine) tRNA synthase; minus strand). Cytogenetic location: 4p15.2.
Variant type: Deletion.
Identifiers: ClinVar variation 1459323 (VCV001459323.4).

ClinVar aggregate classification (germline): Pathogenic (1 of 4 stars; one submission).

Submission:

Labcorp Genetics (formerly Invitae), Labcorp
Classification: Pathogenic. Last evaluated: 2021-06-16. Review status: criteria provided, single submitter. Criteria: Invitae Variant Classification Sherloc (09022015). Collection method: clinical testing. Allele origin: germline.
Comment: For these reasons, this variant has been classified as Pathogenic. This variant has not been reported in the literature in individuals with SEPSECS-related conditions. This variant is a gross deletion of the genomic region encompassing exon(s) 1-2 of the SEPSECS gene, which includes the initiator codon. The 5' end of this event is unknown as it extends beyond the assayed region for this gene and therefore may encompass additional genes. The 3' boundary is likely confined to intron 2 of the SEPSECS gene. It is expected to result in an absent or disrupted protein product. Loss-of-function variants in SEPSECS are known to be pathogenic (PMID: 25558065, 25590979, 26115735).

Literature cited by the submitters: PubMed 25558065; PubMed 25590979; PubMed 26115735.